The following is an entry in ClinVar:

NM_000256.3(MYBPC3):c.2139T>G (p.Phe713Leu)

Gene: MYBPC3 (myosin binding protein C3; minus strand). Cytogenetic location: 11p11.2.
Variant type: single nucleotide variant.
Coding change: c.2139T>G on transcript NM_000256.3 (MANE Select); coding-DNA position 2139, T replaced by G.
Protein change: p.Phe713Leu; replaces phenylalanine 713 with leucine.
Molecular consequence: missense variant.
Genome position (GRCh38, 1-based): chr11:47,339,333, A>C on the plus strand (T>G on the coding strand, the complement: MYBPC3 is on the minus strand). VCF-style: chr11-47339333-A-C. GRCh37 (hg19) VCF-style: chr11-47360884-A-C.
Other names: c.2139T>G, p.Phe713Leu (LRG_386t1); short protein forms F713L.
Identifiers: ClinVar variation 577859 (VCV000577859.9), dbSNP rs1565626205, ClinGen allele CA380320792.

ClinVar aggregate classification (germline): Uncertain significance. Review status: criteria provided, multiple submitters, no conflicts (2 of 4 stars). 2 submissions from 2 submitters: Uncertain significance (2). Last evaluated 2023-04-27.

Conditions:
Hypertrophic cardiomyopathy. Also called: HYPERTROPHIC MYOCARDIOPATHY. Identifiers: Orphanet 217569, MedGen C0007194, MeSH D002312, MONDO:0005045, HP:0001639.

Submissions (2):

All of Us Research Program, National Institutes of Health
Classification: Uncertain significance for Hypertrophic cardiomyopathy. Last evaluated: 2023-04-27. Review status: criteria provided, single submitter. Criteria: ACMG Guidelines, 2015. Collection method: clinical testing. Allele origin: germline. Inheritance: Autosomal dominant inheritance. Observed: 1 variant allele, 1 heterozygote.
Comment: This study involves interpretation of variants in research participants for the purpose of population health screening. Participant phenotype was not available at the time of variant classification. Additional details can be found in publication PMID: 35346344, PMCID: PMC8962531

Labcorp Genetics (formerly Invitae), Labcorp
Classification: Uncertain significance for Hypertrophic cardiomyopathy. Last evaluated: 2022-03-18. Review status: criteria provided, single submitter. Criteria: Invitae Variant Classification Sherloc (09022015). Collection method: clinical testing. Allele origin: germline.
Comment: This sequence change replaces phenylalanine, which is neutral and non-polar, with leucine, which is neutral and non-polar, at codon 713 of the MYBPC3 protein (p.Phe713Leu). This variant is not present in population databases (gnomAD no frequency). This variant has not been reported in the literature in individuals affected with MYBPC3-related conditions. ClinVar contains an entry for this variant (Variation ID: 577859). Algorithms developed to predict the effect of missense changes on protein structure and function (SIFT, PolyPhen-2, Align-GVGD) all suggest that this variant is likely to be tolerated. In summary, the available evidence is currently insufficient to determine the role of this variant in disease. Therefore, it has been classified as a Variant of Uncertain Significance.